The following is an entry in ClinVar:

ClinVar aggregate classification (germline): Pathogenic/Likely pathogenic. Review status: criteria provided, multiple submitters, no conflicts (2 of 4 stars). 8 submissions from 8 submitters: Pathogenic (6); Likely pathogenic (1). 1 of the submissions does not count toward it. Last evaluated 2025-12-18.

Conditions:
Spastic paraplegia. Identifiers: MedGen C0037772, HP:0001258.
Hereditary spastic paraplegia 52 (SPG52). Also called: SPASTIC PARAPLEGIA 52, AUTOSOMAL RECESSIVE; CEREBRAL PALSY, SPASTIC QUADRIPLEGIC, 6. Identifiers: Orphanet 280763, MedGen C3279743, MONDO:0013552, OMIM 614067.

Allele frequency attached by ClinVar (database versions not stated): gnomAD exomes below 0.00001; gnomAD 0.00001; TOPMed 0.00003.
gnomAD v4.1: 16 of 1,613,190 alleles (0.00099%); highest among the groups gnomAD compares: Admixed American, 0.0033%; no homozygotes.

Submissions (8):

Laboratory of Human Genetics, Universidade de São Paulo
Classification: Pathogenic for Hereditary spastic paraplegia 52. Last evaluated: 2025-12-18. Review status: criteria provided, single submitter. Criteria: ACMG Guidelines, 2015. Collection method: research. Allele origin: biparental. Affected: yes.
Comment: Homozygous canonical splice-site variant classified as pathogenic according to ACMG/AMP guidelines (PVS1, PM2, PP5). AP4S1 loss-of-function variants are a known cause of autosomal recessive spastic paraplegia 52.

Dasa
Classification: Pathogenic. Last evaluated: 2025-11-20. Review status: criteria provided, single submitter. Criteria: DASA Assertion Criteria. Collection method: clinical testing. Allele origin: germline.
Comment: NM_001128126.3(AP4S1):c.294+1G>T introduces a premature termination codon predicted to result in loss of normal protein function. Loss-of-function is an established mechanism of disease for this gene. This variant has been observed in affected individuals with related phenotype in a genotype context consistent with recessive disease (PMID: 26633542; PMID: 30283821; PMID: 31915823). This variant has been recurrently observed in individuals with related phenotype (PMID: 26633542; PMID: 30283821; PMID: 31915823). The variant is present at low frequency in population datasets. Based on the available data, this variant is classified as pathogenic.

Revvity Omics, Revvity
Classification: Pathogenic for Hereditary spastic paraplegia 52. Last evaluated: 2025-07-26. Review status: criteria provided, single submitter. Criteria: ACMG Guidelines, 2015. Collection method: clinical testing. Allele origin: germline.

OLLIN Analises Genomicas, OLLIN
Classification: Pathogenic for Hereditary spastic paraplegia 52. Last evaluated: 2025-02-26. Review status: criteria provided, single submitter. Criteria: ACMG Guidelines 2015 PMID 25741868. Collection method: clinical testing. Allele origin: germline. Observed: 1 variant allele.
Comment: PVS1, PS1_P, PM2_P, PM3_P

Labcorp Genetics (formerly Invitae), Labcorp
Classification: Pathogenic for Spastic paraplegia. Last evaluated: 2025-02-10. Review status: criteria provided, single submitter. Criteria: Invitae Variant Classification Sherloc (09022015). Collection method: clinical testing. Allele origin: germline.
Comment: This sequence change affects a donor splice site in intron 4 of the AP4S1 gene. It is expected to disrupt RNA splicing. Variants that disrupt the donor or acceptor splice site typically lead to a loss of protein function (PMID: 16199547), and loss-of-function variants in AP4S1 are known to be pathogenic (PMID: 21620353, 25552650, 27444738). This variant is present in population databases (no rsID available, gnomAD 0.0009%). Disruption of this splice site has been observed in individuals with hereditary spastic paraplegia (PMID: 26633542, 30283821, 31915823; internal data). ClinVar contains an entry for this variant (Variation ID: 279680). Algorithms developed to predict the effect of sequence changes on RNA splicing suggest that this variant may disrupt the consensus splice site. For these reasons, this variant has been classified as Pathogenic.

Laboratorio de Genetica e Diagnostico Molecular, Hospital Israelita Albert Einstein
Classification: Likely pathogenic for Hereditary spastic paraplegia 52. Last evaluated: 2025-01-28. Review status: criteria provided, single submitter. Criteria: ACMG Guidelines, 2015. Collection method: clinical testing. Allele origin: germline. Affected: yes.
Comment: ACMG classification criteria: PVS1 strong, PM2 supporting, PM3 moderate

GeneDx
Classification: Pathogenic. Last evaluated: 2024-07-09. Review status: criteria provided, single submitter. Criteria: GeneDx Variant Classification Process June 2021. Collection method: clinical testing. Allele origin: germline. Affected: yes.
Comment: Canonical splice site variant predicted to result in an in-frame loss of the adjacent exon in a gene for which loss of function is a known mechanism of disease; Not observed at significant frequency in large population cohorts (gnomAD); This variant is associated with the following publications: (PMID: 26633542, 30283821, 31915823, 31589614, 34544818)

Yale Center for Mendelian Genomics, Yale University
Classification: Likely pathogenic for Spastic paraplegia. Last evaluated: 2020-10-01. Review status: no assertion criteria provided. Collection method: literature only. Allele origin: germline. Affected: yes. Observed: 2 homozygotes. Study: Yale Center for Mendelian Genomics. Not counted in ClinVar's aggregate classification.

Literature cited by the submitters: PubMed 26633542 (cited by Dasa and Labcorp Genetics (formerly Invitae), Labcorp); PubMed 30283821 (cited by Dasa and Labcorp Genetics (formerly Invitae), Labcorp); PubMed 31915823 (cited by Dasa and Labcorp Genetics (formerly Invitae), Labcorp); PubMed 16199547 (cited by Labcorp Genetics (formerly Invitae), Labcorp); PubMed 21620353 (cited by Labcorp Genetics (formerly Invitae), Labcorp); PubMed 25552650 (cited by Labcorp Genetics (formerly Invitae), Labcorp); PubMed 27444738 (cited by Labcorp Genetics (formerly Invitae), Labcorp); PubMed 32979048 (cited by Yale Center for Mendelian Genomics, Yale University).

NM_001128126.3(AP4S1):c.294+1G>T

Gene: AP4S1 (adaptor related protein complex 4 subunit sigma 1; plus strand). Cytogenetic location: 14q12.
Variant type: single nucleotide variant.
Coding change: c.294+1G>T on transcript NM_001128126.3 (MANE Select); the canonical splice donor site of the intron after coding-DNA position 294, G replaced by T.
Molecular consequence: splice donor variant.
Genome position (GRCh38, 1-based): chr14:31,072,974, G>T. VCF-style: chr14-31072974-G-T. GRCh37 (hg19) VCF-style: chr14-31542180-G-T.
Other names: c.294+1G>T (NM_001254729.2, NM_001254727.2, NM_007077.5 and 2 more transcripts).
Identifiers: ClinVar variation 279680 (VCV000279680.13), dbSNP rs886041127, ClinGen allele CA10603400.
Genomic context (GRCh38, chr14:31,072,974, plus strand): 5'-GCTATTTATGAATTCATTCATAACTTTGTGGAAGTTTTAGATGAGTATTTCAGCCGAGTG[G>T]TAAGTCTAATGGCTAAAAAATGGTTTACTTCCTCAACCCAGTTTCCCAGAAATTGAGTCT-3'